The following is an entry in ClinVar:

NM_012144.4(DNAI1):c.488_489dup (p.Pro164fs)

Gene: DNAI1 (dynein axonemal intermediate chain 1; plus strand). Cytogenetic location: 9p13.3.
Variant type: Microsatellite.
Coding change: c.488_489dup on transcript NM_012144.4 (MANE Select); coding-DNA positions 488 to 489, 2 bases duplicated (TG; older notation c.488_489dupTG).
Protein change: p.Pro164fs; shifts the reading frame from proline 164.
Molecular consequence: frameshift variant.
Genome position (GRCh38, 1-based): chr9:34,490,111-34,490,112, TG duplicated; duplicating any 2 consecutive bases within chr9:34,490,109-34,490,112 gives the same sequence; the c. name uses the placement nearest the transcript's 3' end. VCF-style (leftmost placement, unchanged base first): chr9-34490108-A-ATG. GRCh37 (hg19) VCF-style: chr9-34490106-A-ATG.
Other names: c.500_501dup, p.Pro168fs (NM_001281428.2); short protein forms P168fs, P164fs.
Identifiers: ClinVar variation 3006550 (VCV003006550.4), dbSNP rs2492033561, ClinGen allele CA2740095443.

ClinVar aggregate classification (germline): Pathogenic. Review status: criteria provided, multiple submitters, no conflicts (2 of 4 stars). 2 submissions from 2 submitters: Pathogenic (2). Last evaluated 2024-05-14.

Conditions:
Primary ciliary dyskinesia. Also called: Ciliary dyskinesia. Identifiers: Orphanet 244, MedGen C0008780, MONDO:0016575, HP:0012265.
Kartagener syndrome (CILD1). Also called: CILIARY DYSKINESIA, PRIMARY, 1; CILIARY DYSKINESIA, PRIMARY, 1, WITH OR WITHOUT SITUS INVERSUS; IMMOTILE CILIA SYNDROME; POLYNESIAN BRONCHIECTASIS; Dextrocardia bronchiectasis and sinusitis; SIEWERT SYNDROME. Identifiers: Orphanet 244, MedGen C4551906, MONDO:0009484, OMIM 244400.

Submissions (2):

Myriad Genetics, Inc.
Classification: Pathogenic for Kartagener syndrome. Last evaluated: 2024-05-14. Review status: criteria provided, single submitter. Criteria: Myriad Autosomal Dominant, Autosomal Recessive and X-Linked Classification Criteria (2023). Collection method: clinical testing. Allele origin: unknown.
Comment: NM_012144.2(DNAI1):c.488_489dupTG(P164Cfs*10) is expected to be pathogenic in the context of primary ciliary dyskinesia, DNAI1-related. This variant is predicted to lead to an abnormal or absent protein product due to the creation of a premature termination codon in DNAI1, a gene where loss-of-function variants are known to be pathogenic. Please note: this variant was assessed in the context of healthy population screening.

Labcorp Genetics (formerly Invitae), Labcorp
Classification: Pathogenic for Primary ciliary dyskinesia. Last evaluated: 2023-08-19. Review status: criteria provided, single submitter. Criteria: Invitae Variant Classification Sherloc (09022015). Collection method: clinical testing. Allele origin: germline.
Comment: This sequence change creates a premature translational stop signal (p.Pro164Cysfs*10) in the DNAI1 gene. It is expected to result in an absent or disrupted protein product. Loss-of-function variants in DNAI1 are known to be pathogenic (PMID: 16858015, 29363216). For these reasons, this variant has been classified as Pathogenic. This variant has not been reported in the literature in individuals affected with DNAI1-related conditions. This variant is not present in population databases (gnomAD no frequency).

Literature cited by the submitters: PubMed 16858015 (cited by Labcorp Genetics (formerly Invitae), Labcorp); PubMed 29363216 (cited by Labcorp Genetics (formerly Invitae), Labcorp).